The following is an entry in ClinVar:

ClinVar aggregate classification (germline): Uncertain significance. Review status: criteria provided, multiple submitters, no conflicts (2 of 4 stars). 2 submissions from 2 submitters: Uncertain significance (2). Last evaluated 2020-02-14.

Conditions:
Spermatogenic failure 30. Identifiers: MedGen C4748224, MONDO:0020851, OMIM 618110.

gnomAD v4.1: 17 of 1,389,970 alleles (0.0012%); highest among the groups gnomAD compares: Middle Eastern, 0.29%; 1 homozygote.

Submissions (2):

Baylor Genetics
Classification: Uncertain significance for Spermatogenic failure 30. Last evaluated: 2020-02-14. Review status: criteria provided, single submitter. Criteria: ACMG Guidelines, 2015. Collection method: clinical testing. Allele origin: unknown. Affected: yes.
Comment: This variant was determined to be of uncertain significance according to ACMG Guidelines, 2015 [PMID:25741868].

Breakthrough Genomics
Classification: Uncertain significance. Review status: criteria provided, single submitter. Criteria: ACMG Guidelines, 2015. Collection method: not provided. Allele origin: germline. Inheritance: Autosomal recessive inheritance. Affected: yes.

NM_153046.3(TDRD9):c.46A>C (p.Ile16Leu)

Gene: TDRD9 (tudor domain containing 9; plus strand). Cytogenetic location: 14q32.33.
Variant type: single nucleotide variant.
Coding change: c.46A>C on transcript NM_153046.3 (MANE Select); coding-DNA position 46, A replaced by C.
Protein change: p.Ile16Leu; replaces isoleucine 16 with leucine.
Molecular consequence: missense variant.
Genome position (GRCh38, 1-based): chr14:103,928,555, A>C. VCF-style: chr14-103928555-A-C. GRCh37 (hg19) VCF-style: chr14-104394892-A-C.
Other names: short protein forms I16L.
Identifiers: ClinVar variation 1027806 (VCV001027806.2), dbSNP rs868220412, ClinGen allele CA267427190.